The following is an entry in ClinVar:

NM_000548.5(TSC2):c.3576G>A (p.Gln1192=)

Gene: TSC2 (TSC complex subunit 2; plus strand). Cytogenetic location: 16p13.3.
Variant type: single nucleotide variant.
Coding change: c.3576G>A on transcript NM_000548.5 (MANE Select); coding-DNA position 3576, G replaced by A.
Protein change: p.Gln1192=; no amino-acid change (glutamine 1192 retained).
Molecular consequence: synonymous variant. On other transcripts: non-coding transcript variant (5).
Genome position (GRCh38, 1-based): chr16:2,080,343, G>A. VCF-style: chr16-2080343-G-A. GRCh37 (hg19) VCF-style: chr16-2130344-G-A.
Other names: c.3444G>A, p.Gln1148= (NM_001077183.3, NM_001370404.1, NM_001406665.1); c.3576G>A, p.Gln1192= (NM_001114382.3); c.3336G>A, p.Gln1112= (NM_001318827.2); c.3300G>A, p.Gln1100= (NM_001318829.2); c.2844G>A, p.Gln948= (NM_001318831.2, NM_001406687.1, NM_001406688.1); c.3477G>A, p.Gln1159= (NM_001318832.2); c.3447G>A, p.Gln1149= (NM_001363528.2, NM_001370405.1, NM_021055.3); c.3573G>A, p.Gln1191= (NM_001406663.1, NM_001406664.1); and 18 more.
Identifiers: ClinVar variation 2014246 (VCV002014246.5), dbSNP rs2151461822, ClinGen allele CA493043133.

ClinVar aggregate classification (germline): Conflicting classifications of pathogenicity. Review status: criteria provided, conflicting classifications (1 of 4 stars). 2 submissions from 2 submitters: Uncertain significance (1); Likely benign (1). Last evaluated 2026-07-01.

Conditions:
Tuberous sclerosis 2 (TSC2). Identifiers: Orphanet 805, MedGen C1860707, MONDO:0013199, OMIM 613254.

Submissions (2):

CeGaT Center for Human Genetics Tuebingen
Classification: Uncertain significance. Last evaluated: 2026-07-01. Review status: criteria provided, single submitter. Criteria: CeGaT Center For Human Genetics Tuebingen Variant Classification Criteria Version 2. Collection method: clinical testing. Allele origin: germline. Affected: yes. Observed: 1 variant allele.
Comment: TSC2: PM2:Supporting, BP4

Labcorp Genetics (formerly Invitae), Labcorp
Classification: Likely benign for Tuberous sclerosis 2. Last evaluated: 2024-12-19. Review status: criteria provided, single submitter. Criteria: Invitae Variant Classification Sherloc (09022015). Collection method: clinical testing. Allele origin: germline.